The following is an entry in ClinVar:

NM_004046.6(ATP5F1A):c.990A>G (p.Arg330=)

Gene: ATP5F1A (ATP synthase F1 subunit alpha; minus strand). Cytogenetic location: 18q21.1.
Variant type: single nucleotide variant.
Coding change: c.990A>G on transcript NM_004046.6 (MANE Select); coding-DNA position 990, A replaced by G.
Protein change: p.Arg330=; no amino-acid change (arginine 330 retained).
Molecular consequence: synonymous variant.
Genome position (GRCh38, 1-based): chr18:46,087,194, T>C on the plus strand (A>G on the coding strand, the complement: ATP5F1A is on the minus strand). VCF-style: chr18-46087194-T-C. GRCh37 (hg19) VCF-style: chr18-43667160-T-C.
Other names: c.840A>G, p.Arg280= (NM_001001935.3, NM_001257335.2); c.990A>G, p.Arg330= (NM_001001937.2); c.924A>G, p.Arg308= (NM_001257334.2).
Identifiers: ClinVar variation 507618 (VCV000507618.1), dbSNP rs1555694909, ClinGen allele CA503984984.

ClinVar aggregate classification (germline): Likely benign (1 of 4 stars; one submission).

Allele frequency attached by ClinVar (database versions not stated): TOPMed 0.00001.

Submission:

GeneDx
Classification: Likely benign. Last evaluated: 2017-03-07. Review status: criteria provided, single submitter. Criteria: GeneDx Variant Classification (06012015). Collection method: clinical testing. Allele origin: germline. Affected: yes.
Comment: This variant is considered likely benign or benign based on one or more of the following criteria: it is a conservative change, it occurs at a poorly conserved position in the protein, it is predicted to be benign by multiple in silico algorithms, and/or has population frequency not consistent with disease.